The following is an entry in ClinVar:

ClinVar aggregate classification (germline): Pathogenic. Review status: criteria provided, single submitter (1 of 4 stars). 2 submissions from 1 submitter: Pathogenic (2). Last evaluated 2021-08-04.

Conditions:
Hereditary hemorrhagic telangiectasia (HHT). Also called: ORW DISEASE; Osler Weber Rendu syndrome; OSLER-RENDU-WEBER DISEASE; Osler hemorrhagic telangiectasia syndrome. Identifiers: Orphanet 774, MedGen C0039445, MONDO:0019180. Disease mechanism: loss of function.
Telangiectasia, hereditary hemorrhagic, type 1 (HHT1). Also called: Osler Weber Rendu syndrome type 1; ENG-Related Hereditary Hemorrhagic Telangiectasia. Identifiers: Orphanet 774, MedGen C4551861, MONDO:0008535, OMIM 187300. Disease mechanism: loss of function.

Submissions (2):

Labcorp Genetics (formerly Invitae), Labcorp
Classification: Pathogenic for Hereditary hemorrhagic telangiectasia. Last evaluated: 2021-08-04. Review status: criteria provided, single submitter. Criteria: Invitae Variant Classification Sherloc (09022015). Collection method: clinical testing. Allele origin: germline.
Comment: This variant is a gross deletion of the genomic region encompassing exon(s) 3 of the ENG gene. This variant would be expected to be in-frame, preserving the integrity of the reading frame. A similar copy number variant has been observed in individuals with hemorrhagic telangiectasia (PMID: 20412114, 20414677). Algorithms developed to predict the effect of variants on protein structure and function are not available or were not evaluated for this variant. Experimental studies have shown that a similar copy number variant affects ENG protein function (PMID: 9366572). For these reasons, this variant has been classified as Pathogenic.

Labcorp Genetics (formerly Invitae), Labcorp
Classification: Pathogenic for Hereditary hemorrhagic telangiectasia. Last evaluated: 2017-05-19. Review status: criteria provided, single submitter. Criteria: Invitae Variant Classification Sherloc (09022015). Collection method: clinical testing. Allele origin: germline.
Comment: This variant is an in-frame deletion of the genomic region encompassing exon 3 of the ENG gene. It preserves the integrity of the reading frame. This variant is not present in population databases. This variant has been reported in multiple families affected with hemorrhagic telangiectasia (PMID: 20414677, 20412114). Experimental studies have shown that ENG protein lacking exon 3 has significantly reduced function (PMID: 9366572). For these reasons, this variant has been classified as Pathogenic.

Literature cited by the submitters: PubMed 20412114; PubMed 20414677; PubMed 9366572.

NC_000009.12:g.(?_127829681)_(127829833_?)del

Gene: ENG (endoglin; minus strand). Cytogenetic location: 9q34.11.
Variant type: Deletion.
Identifiers: ClinVar variation 458321 (VCV000458321.10).